The following is an entry in ClinVar:

NM_001164508.2(NEB):c.6991C>T (p.Leu2331Phe)

Gene: NEB (nebulin; minus strand). Cytogenetic location: 2q23.3.
Variant type: single nucleotide variant.
Coding change: c.6991C>T on transcript NM_001164508.2 (MANE Select); coding-DNA position 6991, C replaced by T.
Protein change: p.Leu2331Phe; replaces leucine 2331 with phenylalanine.
Molecular consequence: missense variant.
Genome position (GRCh38, 1-based): chr2:151,650,810, G>A on the plus strand (C>T on the coding strand, the complement: NEB is on the minus strand). VCF-style: chr2-151650810-G-A. GRCh37 (hg19) VCF-style: chr2-152507324-G-A.
Other names: c.6991C>T, p.Leu2331Phe (NM_001164507.2, NM_001271208.2, NM_004543.5); short protein forms L2331F.
Identifiers: ClinVar variation 4532767 (VCV004532767.1).
Genomic context (GRCh38, chr2:151,650,810, plus strand): 5'-CAAAGTCCTTCTTGTATTCTCTTTCACTCTGCATTTTGGCTACATTCATGGACAACACAA[G>A]TTTTGGGTCATCTTGCAGACTCCGGAATCCAACATGGTGGCCAAGTTGCTTTCGGTAGCC-3'
Protein context (NP_001157980.2, residues 2321-2341): GFRSLQDDPK[Leu2331Phe]VLSMNVAKMQ

ClinVar aggregate classification (germline): Uncertain significance (1 of 4 stars; one submission).

gnomAD v4.1: 5 of 1,613,778 alleles (0.00031%); highest among the groups gnomAD compares: Admixed American, 0.005%; no homozygotes.

Submission:

GeneDx
Classification: Uncertain significance. Last evaluated: 2025-05-29. Review status: criteria provided, single submitter. Criteria: GeneDx Variant Classification Process June 2021. Collection method: clinical testing. Allele origin: germline. Affected: yes.
Comment: Not observed at significant frequency in large population cohorts (gnomAD); In silico analysis suggests that this missense variant does not alter protein structure/function; Has not been previously published as pathogenic or benign to our knowledge